The following is an entry in ClinVar:

NM_019844.4(SLCO1B3):c.1493A>G (p.His498Arg)

Genes: SLCO1B3 (solute carrier organic anion transporter family member 1B3; plus strand), SLCO1B3-SLCO1B7 (SLCO1B3-SLCO1B7 readthrough; plus strand). Cytogenetic location: 12p12.2.
Variant type: single nucleotide variant.
Coding change: c.1493A>G on transcript NM_019844.4 (MANE Select); coding-DNA position 1493, A replaced by G.
Protein change: p.His498Arg; replaces histidine 498 with arginine.
Molecular consequence: missense variant.
Genome position (GRCh38, 1-based): chr12:20,881,016, A>G. VCF-style: chr12-20881016-A-G. GRCh37 (hg19) VCF-style: chr12-21033950-A-G.
Other names: c.1493A>G, p.His498Arg (NM_001371097.1); c.1409A>G, p.His470Arg (NM_001349920.2); short protein forms H498R, H470R.
Identifiers: ClinVar variation 4984034 (VCV004984034.1).
Genomic context (GRCh38, chr12:20,881,016, plus strand): 5'-GAATAACTTACCTGTCACCTTGTCTAGCAGGATGCAAATCCTCAAGTGGTATTAAAAAGC[A>G]TACAGTGAGTATTAGTTTTCACTTTTTCTCCTCTCCTTAATCAAAATCACAGATTTGATT-3'
Protein context (NP_062818.1, residues 488-508): GCKSSSGIKK[His498Arg]TVFYNCSCVE

ClinVar aggregate classification (germline): Uncertain significance (1 of 4 stars; one submission).

Conditions:
SLCO1B3-related disorder. Also called: SLCO1B3-related condition.

gnomAD v4.1: 31 of 1,600,672 alleles (0.0019%); highest among the groups gnomAD compares: South Asian, 0.03%; no homozygotes.

Submission:

PreventionGenetics, part of Exact Sciences
Classification: Uncertain significance for SLCO1B3-related condition. Last evaluated: 2024-11-13. Review status: criteria provided, single submitter. Criteria: ACMG Guidelines, 2015. Collection method: clinical testing. Allele origin: germline.
Comment: The SLCO1B3 c.1493A>G variant is predicted to result in the amino acid substitution p.His498Arg. To our knowledge, this variant has not been reported in the literature. This variant is reported in 0.028% of alleles in individuals of South Asian descent in gnomAD. At this time, the clinical significance of this variant is uncertain due to the absence of conclusive functional and genetic evidence.